The following is an entry in ClinVar:

ClinVar aggregate classification (germline): Uncertain significance (1 of 4 stars; one submission).

Conditions:
Hypertrophic cardiomyopathy 19. Also called: Familial hypertrophic cardiomyopathy 19. Identifiers: MedGen CN077603, MONDO:0013476.

Allele frequency attached by ClinVar (database versions not stated): gnomAD exomes below 0.00001 and 0.00001; TOPMed 0.00001; gnomAD 0.00003 and 0.00004.
gnomAD v4.1: 10 of 1,614,076 alleles (0.00062%); highest among the groups gnomAD compares: Non-Finnish European, 0.00085%; no homozygotes.

Submission:

Labcorp Genetics (formerly Invitae), Labcorp
Classification: Uncertain significance for Hypertrophic cardiomyopathy 19. Last evaluated: 2024-09-06. Review status: criteria provided, single submitter. Criteria: Invitae Variant Classification Sherloc (09022015). Collection method: clinical testing. Allele origin: germline.
Comment: This sequence change replaces glutamine, which is neutral and polar, with arginine, which is basic and polar, at codon 119 of the CALR3 protein (p.Gln119Arg). This variant is present in population databases (no rsID available, gnomAD 0.002%). This missense change has been observed in individual(s) with CALR3-related conditions (PMID: 33057194, 35982159). ClinVar contains an entry for this variant (Variation ID: 639655). Invitae Evidence Modeling of protein sequence and biophysical properties (such as structural, functional, and spatial information, amino acid conservation, physicochemical variation, residue mobility, and thermodynamic stability) indicates that this missense variant is expected to disrupt CALR3 protein function with a positive predictive value of 80%. In summary, the available evidence is currently insufficient to determine the role of this variant in disease. Therefore, it has been classified as a Variant of Uncertain Significance.

Literature cited by the submitters: PubMed 33057194; PubMed 35982159.

NM_145046.5(CALR3):c.356A>G (p.Gln119Arg)

Gene: CALR3 (calreticulin 3; minus strand). Cytogenetic location: 19p13.11.
Variant type: single nucleotide variant.
Coding change: c.356A>G on transcript NM_145046.5 (MANE Select); coding-DNA position 356, A replaced by G.
Protein change: p.Gln119Arg; replaces glutamine 119 with arginine.
Molecular consequence: missense variant.
Genome position (GRCh38, 1-based): chr19:16,490,408, T>C on the plus strand (A>G on the coding strand, the complement: CALR3 is on the minus strand). VCF-style: chr19-16490408-T-C. GRCh37 (hg19) VCF-style: chr19-16601219-T-C.
Other names: short protein forms Q119R.
Identifiers: ClinVar variation 639655 (VCV000639655.9), dbSNP rs946376334, ClinGen allele CA305992007.
Genomic context (GRCh38, chr19:16,490,408, plus strand): 5'-TTGCACCACGTAAACTCACCAAACATAATATAGTACTGCGATTTTCCATTCAGGTTCTTC[T>C]GGTCAATGTCTGCAGGAAAGACCTTAATGTAGCCCCCTCCACAGTCCATCTTCTGCTCAT-3'
Protein context (NP_659483.2, residues 109-129): YIKVFPADID[Gln119Arg]KNLNGKSQYY